The following is an entry in ClinVar:

NM_003620.4(PPM1D):c.398C>T (p.Ser133Phe)

Gene: PPM1D (protein phosphatase, Mg2+/Mn2+ dependent 1D; plus strand). Cytogenetic location: 17q23.2.
Variant type: single nucleotide variant.
Coding change: c.398C>T on transcript NM_003620.4 (MANE Select); coding-DNA position 398, C replaced by T.
Protein change: p.Ser133Phe; replaces serine 133 with phenylalanine.
Molecular consequence: missense variant.
Genome position (GRCh38, 1-based): chr17:60,600,812, C>T. VCF-style: chr17-60600812-C-T. GRCh37 (hg19) VCF-style: chr17-58678173-C-T.
Other names: short protein forms S133F.
Identifiers: ClinVar variation 3675610 (VCV003675610.2).

ClinVar aggregate classification (germline): Uncertain significance (1 of 4 stars; one submission).

Submission:

Labcorp Genetics (formerly Invitae), Labcorp
Classification: Uncertain significance. Last evaluated: 2024-06-01. Review status: criteria provided, single submitter. Criteria: Invitae Variant Classification Sherloc (09022015). Collection method: clinical testing. Allele origin: germline.
Comment: This sequence change replaces serine, which is neutral and polar, with phenylalanine, which is neutral and non-polar, at codon 133 of the PPM1D protein (p.Ser133Phe). This variant is not present in population databases (gnomAD no frequency). This variant has not been reported in the literature in individuals affected with PPM1D-related conditions. An algorithm developed to predict the effect of missense changes on protein structure and function (PolyPhen-2) suggests that this variant is likely to be disruptive. In summary, the available evidence is currently insufficient to determine the role of this variant in disease. Therefore, it has been classified as a Variant of Uncertain Significance.